The following is an entry in ClinVar:

ClinVar aggregate classification (germline): Conflicting classifications of pathogenicity. Review status: criteria provided, conflicting classifications (1 of 4 stars). 4 submissions from 4 submitters: Uncertain significance (1); Likely benign (3). Last evaluated 2026-07-20.

Conditions:
Inborn genetic diseases. Identifiers: MedGen C0950123, MeSH D030342.
RHOBTB2-related disorder. Also called: RHOBTB2-related condition.
Developmental and epileptic encephalopathy, 64. Also called: EPILEPTIC ENCEPHALOPATHY, EARLY INFANTILE, 64. Identifiers: MedGen C4693899, MONDO:0033373, OMIM 618004.

Allele frequency attached by ClinVar (database versions not stated): ExAC 0.00002; gnomAD 0.00001; TOPMed 0.00002; gnomAD exomes 0.00002.
gnomAD v4.1: 11 of 1,613,182 alleles (0.00068%); highest among the groups gnomAD compares: Admixed American, 0.0017%; no homozygotes.

Submissions (4):

Ambry Genetics
Classification: Likely benign for Inborn genetic diseases. Last evaluated: 2026-07-20. Review status: criteria provided, single submitter. Criteria: Ambry Variant Classification Scheme 2023. Collection method: clinical testing. Allele origin: germline.

PreventionGenetics, part of Exact Sciences
Classification: Likely benign for RHOBTB2-related condition. Last evaluated: 2025-04-24. Review status: criteria provided, single submitter. Criteria: ACMG Guidelines, 2015. Collection method: clinical testing. Allele origin: germline.
Comment: This variant is classified as likely benign based on ACMG/AMP sequence variant interpretation guidelines (Richards et al. 2015 PMID: 25741868, with internal and published modifications).

Labcorp Genetics (formerly Invitae), Labcorp
Classification: Likely benign. Last evaluated: 2024-03-15. Review status: criteria provided, single submitter. Criteria: Invitae Variant Classification Sherloc (09022015). Collection method: clinical testing. Allele origin: germline.

Department of Pathology and Laboratory Medicine, Sinai Health System
Classification: Uncertain significance for Developmental and epileptic encephalopathy, 64. Last evaluated: 2020-05-29. Review status: criteria provided, single submitter. Criteria: ACMG Guidelines, 2015. Collection method: research. Allele origin: germline.

NM_015178.3(RHOBTB2):c.1948A>G (p.Met650Val)

Gene: RHOBTB2 (Rho related BTB domain containing 2; plus strand). Cytogenetic location: 8p21.3.
Variant type: single nucleotide variant.
Coding change: c.1948A>G on transcript NM_015178.3 (MANE Select); coding-DNA position 1948, A replaced by G.
Protein change: p.Met650Val; replaces methionine 650 with valine.
Molecular consequence: missense variant.
Genome position (GRCh38, 1-based): chr8:23,015,725, A>G. VCF-style: chr8-23015725-A-G. GRCh37 (hg19) VCF-style: chr8-22873238-A-G.
Other names: c.2014A>G, p.Met672Val (NM_001160036.2); c.1969A>G, p.Met657Val (NM_001160037.2); c.1948A>G, p.Met650Val (NM_001374791.1); c.2014A>G (NM_001160036.1); short protein forms M650V, M657V, M672V.
Identifiers: ClinVar variation 1560552 (VCV001560552.11), dbSNP rs781175694, ClinGen allele CA4672831.
Genomic context (GRCh38, chr8:23,015,725, plus strand): 5'-TGGTGTCTCCACCACATCTGCACCAACTACAACAACGTGTGCCGCAAGTTCCCCCGAGAC[A>G]TGAAGGCCATGTCCCCAGGTGAGCATCGGGGCCAGTCCTGGCAGTACCTGCTGCCCTCCC-3'
Protein context (NP_055993.2, residues 640-660): NNVCRKFPRD[Met650Val]KAMSPENQEY